The following is an entry in ClinVar:

NM_003922.4(HERC1):c.10168C>T (p.Gln3390Ter)

Gene: HERC1 (HECT and RLD domain containing E3 ubiquitin protein ligase family member 1; minus strand). Cytogenetic location: 15q22.31.
Variant type: single nucleotide variant.
Coding change: c.10168C>T on transcript NM_003922.4 (MANE Select); coding-DNA position 10168, C replaced by T.
Protein change: p.Gln3390Ter; replaces glutamine 3390 with a stop codon.
Molecular consequence: nonsense.
Genome position (GRCh38, 1-based): chr15:63,654,241, G>A on the plus strand (C>T on the coding strand, the complement: HERC1 is on the minus strand). VCF-style: chr15-63654241-G-A. GRCh37 (hg19) VCF-style: chr15-63946440-G-A.
Other names: short protein forms Q3390*.
Identifiers: ClinVar variation 3648035 (VCV003648035.2).

ClinVar aggregate classification (germline): Pathogenic (1 of 4 stars; one submission).

Submission:

Labcorp Genetics (formerly Invitae), Labcorp
Classification: Pathogenic. Last evaluated: 2024-03-28. Review status: criteria provided, single submitter. Criteria: Invitae Variant Classification Sherloc (09022015). Collection method: clinical testing. Allele origin: germline.
Comment: This sequence change creates a premature translational stop signal (p.Gln3390*) in the HERC1 gene. It is expected to result in an absent or disrupted protein product. Loss-of-function variants in HERC1 are known to be pathogenic (PMID: 26138117, 26153217, 27108999). This variant is not present in population databases (gnomAD no frequency). This variant has not been reported in the literature in individuals affected with HERC1-related conditions. For these reasons, this variant has been classified as Pathogenic.

Literature cited by the submitters: PubMed 26138117; PubMed 26153217; PubMed 27108999.